The following is an entry in ClinVar:

NM_000218.3(KCNQ1):c.1158C>A (p.Asn386Lys)

Gene: KCNQ1 (potassium voltage-gated channel subfamily Q member 1; plus strand). Cytogenetic location: 11p15.5.
Variant type: single nucleotide variant.
Coding change: c.1158C>A on transcript NM_000218.3 (MANE Select); coding-DNA position 1158, C replaced by A.
Protein change: p.Asn386Lys; replaces asparagine 386 with lysine.
Molecular consequence: missense variant.
Genome position (GRCh38, 1-based): chr11:2,587,599, C>A. VCF-style: chr11-2587599-C-A. GRCh37 (hg19) VCF-style: chr11-2608829-C-A.
Other names: c.1062C>A, p.Asn354Lys (NM_001406836.1); c.888C>A, p.Asn296Lys (NM_001406837.1); c.618C>A, p.Asn206Lys (NM_001406838.1); c.777C>A, p.Asn259Lys (NM_181798.2); short protein forms N386K, N296K, N206K, N259K, N354K.
Identifiers: ClinVar variation 1937059 (VCV001937059.5), dbSNP rs779095930, ClinGen allele CA027462.

ClinVar aggregate classification (germline): Uncertain significance (1 of 4 stars; one submission).

Conditions:
Long QT syndrome (LQTS). Identifiers: MedGen C0023976, MeSH D008133, MONDO:0002442. Disease mechanism: loss of function. Inheritance: Various modes of inheritance.

Allele frequency attached by ClinVar (database versions not stated): gnomAD 0.00001.
gnomAD v4.1: 4 of 1,613,762 alleles (0.00025%); highest among the groups gnomAD compares: African/African-American, 0.004%; no homozygotes.

Submission:

Labcorp Genetics (formerly Invitae), Labcorp
Classification: Uncertain significance for Long QT syndrome. Last evaluated: 2023-12-11. Review status: criteria provided, single submitter. Criteria: Invitae Variant Classification Sherloc (09022015). Collection method: clinical testing. Allele origin: germline.
Comment: This sequence change replaces asparagine, which is neutral and polar, with lysine, which is basic and polar, at codon 386 of the KCNQ1 protein (p.Asn386Lys). This variant is present in population databases (rs779095930, gnomAD 0.008%). This variant has not been reported in the literature in individuals affected with KCNQ1-related conditions. ClinVar contains an entry for this variant (Variation ID: 1937059). Advanced modeling of protein sequence and biophysical properties (such as structural, functional, and spatial information, amino acid conservation, physicochemical variation, residue mobility, and thermodynamic stability) performed at Invitae indicates that this missense variant is not expected to disrupt KCNQ1 protein function with a negative predictive value of 80%. In summary, the available evidence is currently insufficient to determine the role of this variant in disease. Therefore, it has been classified as a Variant of Uncertain Significance.